The following is an entry in ClinVar:

NM_001130438.3(SPTAN1):c.2888C>T (p.Thr963Met)

Gene: SPTAN1 (spectrin alpha, non-erythrocytic 1; plus strand). Cytogenetic location: 9q34.11.
Variant type: single nucleotide variant.
Coding change: c.2888C>T on transcript NM_001130438.3 (MANE Select); coding-DNA position 2888, C replaced by T.
Protein change: p.Thr963Met; replaces threonine 963 with methionine.
Molecular consequence: missense variant.
Genome position (GRCh38, 1-based): chr9:128,588,825, C>T. VCF-style: chr9-128588825-C-T. GRCh37 (hg19) VCF-style: chr9-131351104-C-T.
Other names: p.T963M:ACG>ATG; c.2888C>T, p.Thr963Met (NM_001195532.2, NM_001363759.2, NM_001363765.2 and 1 more transcripts); short protein forms T963M.
Identifiers: ClinVar variation 207274 (VCV000207274.20), dbSNP rs375623472, ClinGen allele CA318588.

ClinVar aggregate classification (germline): Conflicting classifications of pathogenicity. Review status: criteria provided, conflicting classifications (1 of 4 stars). 7 submissions from 7 submitters: Uncertain significance (1); Benign (2); Likely benign (4). Last evaluated 2026-09-01.

Conditions:
Early-infantile DEE. Also called: Ohtahara syndrome; Early infantile epileptic encephalopathy with suppression bursts; Early infantile epileptic encephalopathy. Identifiers: Orphanet 1934, MedGen C0393706, MONDO:0800491.
Inborn genetic diseases. Identifiers: MedGen C0950123, MeSH D030342.
Developmental and epileptic encephalopathy, 5 (DEE5). Identifiers: Orphanet 3451, MedGen C3150731, MONDO:0013277, OMIM 613477.

Allele frequency attached by ClinVar (database versions not stated): gnomAD exomes 0.00001 and 0.00003; ExAC 0.00003; gnomAD 0.00006; TOPMed 0.00009; ESP Exome Variant Server 0.00015.
gnomAD v4.1: 30 of 1,613,942 alleles (0.0019%); highest among the groups gnomAD compares: African/African-American, 0.015%; no homozygotes.

Submissions (7):

CeGaT Center for Human Genetics Tuebingen
Classification: Likely benign. Last evaluated: 2026-09-01. Review status: criteria provided, single submitter. Criteria: CeGaT Center For Human Genetics Tuebingen Variant Classification Criteria Version 2. Collection method: clinical testing. Allele origin: germline. Affected: yes. Observed: 2 variant alleles.
Comment: SPTAN1: BP4

Labcorp Genetics (formerly Invitae), Labcorp
Classification: Benign for Early-infantile DEE. Last evaluated: 2025-11-29. Review status: criteria provided, single submitter. Criteria: Invitae Variant Classification Sherloc (09022015). Collection method: clinical testing. Allele origin: germline.

Ambry Genetics
Classification: Likely benign for Inborn genetic diseases. Last evaluated: 2023-05-31. Review status: criteria provided, single submitter. Criteria: Ambry Variant Classification Scheme 2023. Collection method: clinical testing. Allele origin: germline.

Genome-Nilou Lab
Classification: Benign for Developmental and epileptic encephalopathy, 5. Last evaluated: 2021-07-15. Review status: criteria provided, single submitter. Criteria: ACMG Guidelines, 2015. Collection method: clinical testing. Allele origin: germline. Affected: no.

Athena Diagnostics
Classification: Likely benign. Last evaluated: 2020-01-10. Review status: criteria provided, single submitter. Criteria: Athena Diagnostics Criteria. Collection method: clinical testing. Allele origin: unknown.

Revvity Omics, Revvity
Classification: Uncertain significance. Last evaluated: 2019-05-29. Review status: criteria provided, single submitter. Criteria: ACMG Guidelines, 2015. Collection method: clinical testing. Allele origin: germline.

GeneDx
Classification: Likely benign. Last evaluated: 2017-12-06. Review status: criteria provided, single submitter. Criteria: GeneDx Variant Classification (06012015). Collection method: clinical testing. Allele origin: germline. Affected: yes.
Comment: This variant is considered likely benign or benign based on one or more of the following criteria: it is a conservative change, it occurs at a poorly conserved position in the protein, it is predicted to be benign by multiple in silico algorithms, and/or has population frequency not consistent with disease.